The following is an entry in ClinVar:

ClinVar aggregate classification (germline): Uncertain significance (1 of 4 stars; one submission).

Conditions:
Seizures, benign familial infantile, 3 (BFIS3). Also called: Familial neonatal seizures; CONVULSIONS, BENIGN FAMILIAL INFANTILE, 3. Identifiers: Orphanet 140927, Orphanet 306, MedGen C1843140, MONDO:0011904, OMIM 607745.
Developmental and epileptic encephalopathy, 11 (DEE11). Also called: Early infantile epileptic encephalopathy 11. Identifiers: Orphanet 1934, MedGen C3150987, MONDO:0013388, OMIM 613721.

Submission:

Labcorp Genetics (formerly Invitae), Labcorp
Classification: Uncertain significance for Seizures, benign familial infantile, 3; Developmental and epileptic encephalopathy, 11. Last evaluated: 2022-01-14. Review status: criteria provided, single submitter. Criteria: Invitae Variant Classification Sherloc (09022015). Collection method: clinical testing. Allele origin: germline.
Comment: This sequence change replaces leucine, which is neutral and non-polar, with isoleucine, which is neutral and non-polar, at codon 972 of the SCN2A protein (p.Leu972Ile). This variant is not present in population databases (gnomAD no frequency). This variant has not been reported in the literature in individuals affected with SCN2A-related conditions. Algorithms developed to predict the effect of missense changes on protein structure and function are either unavailable or do not agree on the potential impact of this missense change (SIFT: "Deleterious"; PolyPhen-2: "Probably Damaging"; Align-GVGD: "Class C0"). In summary, the available evidence is currently insufficient to determine the role of this variant in disease. Therefore, it has been classified as a Variant of Uncertain Significance.

NM_001040142.2(SCN2A):c.2914C>A (p.Leu972Ile)

Gene: SCN2A (sodium voltage-gated channel alpha subunit 2; plus strand). Cytogenetic location: 2q24.3.
Variant type: single nucleotide variant.
Coding change: c.2914C>A on transcript NM_001040142.2 (MANE Select); coding-DNA position 2914, C replaced by A.
Protein change: p.Leu972Ile; replaces leucine 972 with isoleucine.
Molecular consequence: missense variant.
Genome position (GRCh38, 1-based): chr2:165,344,906, C>A. VCF-style: chr2-165344906-C-A. GRCh37 (hg19) VCF-style: chr2-166201416-C-A.
Other names: c.2914C>A, p.Leu972Ile (NM_001040143.2, NM_001371246.1, NM_001371247.1 and 1 more transcripts); short protein forms L972I.
Identifiers: ClinVar variation 1346098 (VCV001346098.8), dbSNP rs2105319221, ClinGen allele CA349016643.